The following is an entry in ClinVar:

NM_152263.4(TPM3):c.643-11T>G

Gene: TPM3 (tropomyosin 3; minus strand). Cytogenetic location: 1q21.3.
Variant type: single nucleotide variant.
Coding change: c.643-11T>G on transcript NM_152263.4 (MANE Select); 11 bases into the intron before coding-DNA position 643, T replaced by G.
Molecular consequence: intron variant.
Genome position (GRCh38, 1-based): chr1:154,170,722, A>C on the plus strand (T>G on the coding strand, the complement: TPM3 is on the minus strand). VCF-style: chr1-154170722-A-C. GRCh37 (hg19) VCF-style: chr1-154143198-A-C.
Other names: c.643-11T>G (NM_001364679.2, NM_001364681.2, NM_001364680.2 and 1 more transcripts); c.334-11T>G (NM_001278188.2); c.532-11T>G (NM_001043351.2, NM_001043353.2, NM_001349679.2 and 4 more transcripts); c.532-253T>G (NM_001278190.2); c.262-11T>G (NM_001278191.2).
Identifiers: ClinVar variation 1314280 (VCV001314280.2), dbSNP rs2148232511, ClinGen allele CA2573051374.

ClinVar aggregate classification (germline): Uncertain significance (1 of 4 stars; one submission).

Submission:

GeneDx
Classification: Uncertain significance. Last evaluated: 2021-04-02. Review status: criteria provided, single submitter. Criteria: GeneDx Variant Classification Process June 2021. Collection method: clinical testing. Allele origin: germline. Affected: yes.
Comment: Not observed in large population cohorts (Lek et al., 2016); Has not been previously published as pathogenic or benign to our knowledge; In-silico analysis, which includes splice predictors and evolutionary conservation, is inconclusive as to whether the variant alters gene splicing. In the absence of RNA/functional studies, the actual effect of this sequence change is unknown.